The following is an entry in ClinVar:

ClinVar aggregate classification (germline): Uncertain significance (1 of 4 stars; one submission).

Conditions:
Inborn genetic diseases. Identifiers: MedGen C0950123, MeSH D030342.

gnomAD v4.1: 1 of 1,613,924 alleles (0.000062%); highest among the groups gnomAD compares: Middle Eastern, 0.016%; no homozygotes.

Submission:

Ambry Genetics
Classification: Uncertain significance for Inborn genetic diseases. Last evaluated: 2026-03-14. Review status: criteria provided, single submitter. Criteria: Ambry Variant Classification Scheme 2023. Collection method: clinical testing. Allele origin: germline.
Comment: The p.E37K variant (also known as c.109G>A), located in coding exon 2 of the HAX1 gene, results from a G to A substitution at nucleotide position 109. The glutamic acid at codon 37 is replaced by lysine, an amino acid with similar properties. This amino acid position is conserved. In addition, this alteration is predicted to be tolerated by in silico analysis. Based on the available evidence, the clinical significance of this variant remains unclear.

NM_006118.4(HAX1):c.109G>A (p.Glu37Lys)

Gene: HAX1 (HCLS1 associated protein X-1; plus strand). Cytogenetic location: 1q21.3.
Variant type: single nucleotide variant.
Coding change: c.109G>A on transcript NM_006118.4 (MANE Select); coding-DNA position 109, G replaced by A.
Protein change: p.Glu37Lys; replaces glutamic acid 37 with lysine.
Molecular consequence: missense variant. On other transcripts: intron variant (1).
Genome position (GRCh38, 1-based): chr1:154,273,391, G>A. VCF-style: chr1-154273391-G-A. GRCh37 (hg19) VCF-style: chr1-154245867-G-A.
Other names: c.54-89G>A (NM_001018837.2); short protein forms E37K.
Identifiers: ClinVar variation 4826685 (VCV004826685.1).